The following is an entry in ClinVar:

ClinVar aggregate classification (germline): Uncertain significance (1 of 4 stars; one submission).

Conditions:
Hereditary cancer-predisposing syndrome. Also called: Hereditary Cancer Syndrome; Neoplastic Syndromes, Hereditary; Tumor predisposition; Hereditary neoplastic syndrome. Identifiers: Orphanet 140162, MedGen C0027672, MeSH D009386, MONDO:0015356.

Submission:

Labcorp Genetics (formerly Invitae), Labcorp
Classification: Uncertain significance for Hereditary cancer-predisposing syndrome. Last evaluated: 2021-08-22. Review status: criteria provided, single submitter. Criteria: Invitae Variant Classification Sherloc (09022015). Collection method: clinical testing. Allele origin: germline.
Comment: This sequence change replaces phenylalanine with valine at codon 156 of the RAD50 protein (p.Phe156Val). The phenylalanine residue is highly conserved and there is a small physicochemical difference between phenylalanine and valine. In summary, the available evidence is currently insufficient to determine the role of this variant in disease. Therefore, it has been classified as a Variant of Uncertain Significance. Algorithms developed to predict the effect of missense changes on protein structure and function (SIFT, PolyPhen-2, Align-GVGD) all suggest that this variant is likely to be disruptive, but these predictions have not been confirmed by published functional studies and their clinical significance is uncertain. This variant has not been reported in the literature in individuals with RAD50-related conditions. This variant is not present in population databases (ExAC no frequency).

NM_005732.4(RAD50):c.466T>G (p.Phe156Val)

Gene: RAD50 (RAD50 double strand break repair protein; plus strand). Cytogenetic location: 5q31.1.
Variant type: single nucleotide variant.
Coding change: c.466T>G on transcript NM_005732.4 (MANE Select); coding-DNA position 466, T replaced by G.
Protein change: p.Phe156Val; replaces phenylalanine 156 with valine.
Molecular consequence: missense variant.
Genome position (GRCh38, 1-based): chr5:132,579,417, T>G. VCF-style: chr5-132579417-T-G. GRCh37 (hg19) VCF-style: chr5-131915109-T-G.
Other names: short protein forms F156V.
Identifiers: ClinVar variation 1021294 (VCV001021294.9), dbSNP rs1750463019, ClinGen allele CA360934336.